The following is an entry in ClinVar:

ClinVar aggregate classification (germline): Uncertain significance (1 of 4 stars; one submission).

Conditions:
GM3 synthase deficiency (SPDRS). Also called: SALT AND PEPPER MENTAL RETARDATION SYNDROME; AMISH INFANTILE EPILEPSY SYNDROME; SALT AND PEPPER DEVELOPMENTAL REGRESSION SYNDROME. Identifiers: Orphanet 171714, Orphanet 370933, MedGen C1836824, MONDO:0018274, OMIM 609056.

Allele frequency attached by ClinVar (database versions not stated): gnomAD exomes below 0.00001 and 0.00001; ExAC 0.00001; gnomAD 0.00001; TOPMed 0.00004.
gnomAD v4.1: 6 of 1,614,070 alleles (0.00037%); highest among the groups gnomAD compares: African/African-American, 0.0013%; no homozygotes.

Submission:

Labcorp Genetics (formerly Invitae), Labcorp
Classification: Uncertain significance for GM3 synthase deficiency. Last evaluated: 2022-02-24. Review status: criteria provided, single submitter. Criteria: Invitae Variant Classification Sherloc (09022015). Collection method: clinical testing. Allele origin: germline.
Comment: This sequence change replaces arginine, which is basic and polar, with cysteine, which is neutral and slightly polar, at codon 121 of the ST3GAL5 protein (p.Arg121Cys). This variant is present in population databases (rs779973935, gnomAD 0.01%). This variant has not been reported in the literature in individuals affected with ST3GAL5-related conditions. ClinVar contains an entry for this variant (Variation ID: 849555). Algorithms developed to predict the effect of missense changes on protein structure and function (SIFT, PolyPhen-2, Align-GVGD) all suggest that this variant is likely to be disruptive. Algorithms developed to predict the effect of sequence changes on RNA splicing suggest that this variant may disrupt the consensus splice site. In summary, the available evidence is currently insufficient to determine the role of this variant in disease. Therefore, it has been classified as a Variant of Uncertain Significance.

NM_003896.4(ST3GAL5):c.361C>T (p.Arg121Cys)

Gene: ST3GAL5 (ST3 beta-galactoside alpha-2,3-sialyltransferase 5; minus strand). Cytogenetic location: 2p11.2.
Variant type: single nucleotide variant.
Coding change: c.361C>T on transcript NM_003896.4 (MANE Select); coding-DNA position 361, C replaced by T.
Protein change: p.Arg121Cys; replaces arginine 121 with cysteine.
Molecular consequence: missense variant. On other transcripts: 5 prime UTR variant (7).
Genome position (GRCh38, 1-based): chr2:85,848,162, G>A on the plus strand (C>T on the coding strand, the complement: ST3GAL5 is on the minus strand). VCF-style: chr2-85848162-G-A. GRCh37 (hg19) VCF-style: chr2-86075285-G-A.
Other names: c.292C>T, p.Arg98Cys (NM_001042437.2); c.-24C>T (NM_001354223.2, NM_001354224.2, NM_001354226.2 and 3 more transcripts); c.277C>T, p.Arg93Cys (NM_001354227.2, NM_001354229.2, NM_001354238.1); c.-544C>T (NM_001354247.1); c.361C>T, p.Arg121Cys (NM_001363847.1); short protein forms R93C, R121C, R98C.
Identifiers: ClinVar variation 849555 (VCV000849555.7), dbSNP rs779973935, ClinGen allele CA1745056.